The following is an entry in ClinVar:

ClinVar aggregate classification (germline): Pathogenic (1 of 4 stars; one submission).

Conditions:
Dystonia 12 (DYT12). Also called: DYT-ATP1A3; Rapid-Onset Dystonia-Parkinsonism (RDP). Identifiers: Orphanet 71517, MedGen C1868681, MONDO:0007496, OMIM 128235.

Submission:

Labcorp Genetics (formerly Invitae), Labcorp
Classification: Pathogenic for Dystonia 12. Last evaluated: 2024-03-09. Review status: criteria provided, single submitter. Criteria: Invitae Variant Classification Sherloc (09022015). Collection method: clinical testing. Allele origin: germline.
Comment: This sequence change replaces glycine, which is neutral and non-polar, with serine, which is neutral and polar, at codon 755 of the ATP1A3 protein (p.Gly755Ser). This variant also falls at the last nucleotide of exon 16, which is part of the consensus splice site for this exon. This variant is not present in population databases (gnomAD no frequency). This missense change has been observed in individuals with alternating hemiplegia of childhood (PMID: 22842232, 26410222, 29269014). ClinVar contains an entry for this variant (Variation ID: 2138303). An algorithm developed to predict the effect of missense changes on protein structure and function (PolyPhen-2) suggests that this variant is likely to be disruptive. Variants that disrupt the consensus splice site are a relatively common cause of aberrant splicing (PMID: 17576681, 9536098). This variant disrupts the p.Gly755 amino acid residue in ATP1A3. Other variant(s) that disrupt this residue have been determined to be pathogenic (PMID: 22850527, 23409136, 24842602). This suggests that this residue is clinically significant, and that variants that disrupt this residue are likely to be disease-causing. For these reasons, this variant has been classified as Pathogenic.

Literature cited by the submitters: PubMed 22842232; PubMed 26410222; PubMed 29269014; PubMed 17576681; PubMed 9536098; PubMed 22850527; PubMed 23409136; PubMed 24842602.

NM_152296.5(ATP1A3):c.2263G>A (p.Gly755Ser)

Gene: ATP1A3 (ATPase Na+/K+ transporting subunit alpha 3; minus strand). Cytogenetic location: 19q13.2.
Variant type: single nucleotide variant.
Coding change: c.2263G>A on transcript NM_152296.5 (MANE Select); coding-DNA position 2263, G replaced by A.
Protein change: p.Gly755Ser; replaces glycine 755 with serine.
Molecular consequence: missense variant.
Genome position (GRCh38, 1-based): chr19:41,975,629, C>T on the plus strand (G>A on the coding strand, the complement: ATP1A3 is on the minus strand). VCF-style: chr19-41975629-C-T. GRCh37 (hg19) VCF-style: chr19-42479781-C-T.
Other names: c.2296G>A, p.Gly766Ser (NM_001256213.2); c.2302G>A, p.Gly768Ser (NM_001256214.2); short protein forms G755S, G766S, G768S.
Identifiers: ClinVar variation 2138303 (VCV002138303.4), dbSNP rs557052809, ClinGen allele CA346012.